The following is an entry in ClinVar:

ClinVar aggregate classification (germline): Uncertain significance (1 of 4 stars; one submission).

Allele frequency attached by ClinVar (database versions not stated): gnomAD exomes 0.00001.
gnomAD v4.1: 8 of 1,613,908 alleles (0.0005%); highest among the groups gnomAD compares: Non-Finnish European, 0.00068%; no homozygotes.

Submission:

Labcorp Genetics (formerly Invitae), Labcorp
Classification: Uncertain significance. Last evaluated: 2023-09-06. Review status: criteria provided, single submitter. Criteria: Invitae Variant Classification Sherloc (09022015). Collection method: clinical testing. Allele origin: germline.
Comment: In summary, the available evidence is currently insufficient to determine the role of this variant in disease. Therefore, it has been classified as a Variant of Uncertain Significance. Advanced modeling of protein sequence and biophysical properties (such as structural, functional, and spatial information, amino acid conservation, physicochemical variation, residue mobility, and thermodynamic stability) performed at Invitae indicates that this missense variant is not expected to disrupt ARHGEF10 protein function. This variant has not been reported in the literature in individuals affected with ARHGEF10-related conditions. This variant is present in population databases (no rsID available, gnomAD 0.0009%). This sequence change replaces glutamine, which is neutral and polar, with arginine, which is basic and polar, at codon 368 of the ARHGEF10 protein (p.Gln368Arg).

NM_014629.4(ARHGEF10):c.1103A>G (p.Gln368Arg)

Gene: ARHGEF10 (Rho guanine nucleotide exchange factor 10; plus strand). Cytogenetic location: 8p23.3.
Variant type: single nucleotide variant.
Coding change: c.1103A>G on transcript NM_014629.4 (MANE Select); coding-DNA position 1103, A replaced by G.
Protein change: p.Gln368Arg; replaces glutamine 368 with arginine.
Molecular consequence: missense variant.
Genome position (GRCh38, 1-based): chr8:1,885,628, A>G. VCF-style: chr8-1885628-A-G. GRCh37 (hg19) VCF-style: chr8-1833794-A-G.
Other names: c.989A>G, p.Gln330Arg (NM_001308152.2); c.1106A>G, p.Gln369Arg (NM_001308153.3); short protein forms Q368R, Q330R, Q393R, Q369R.
Identifiers: ClinVar variation 2998623 (VCV002998623.3), dbSNP rs1331564333, ClinGen allele CA369957654.